The following is an entry in ClinVar:

ClinVar aggregate classification (germline): Benign. Review status: criteria provided, multiple submitters, no conflicts (2 of 4 stars). 4 submissions from 4 submitters: Benign (4). Last evaluated 2025-12-11.

Allele frequency attached by ClinVar (database versions not stated): gnomAD exomes 0.00065 and 0.00163; ExAC 0.00283; 1000 Genomes Project 0.00619; 1000 Genomes Project 30x 0.00687; ESP Exome Variant Server 0.00692; gnomAD 0.00723 and 0.00793; TOPMed 0.00813.
gnomAD v4.1: 2,107 of 1,611,134 alleles (0.13%); highest among the groups gnomAD compares: African/African-American, 2.4%; 28 homozygotes.

Submissions (4):

Labcorp Genetics (formerly Invitae), Labcorp
Classification: Benign. Last evaluated: 2025-12-11. Review status: criteria provided, single submitter. Criteria: Invitae Variant Classification Sherloc (09022015). Collection method: clinical testing. Allele origin: germline.

GeneDx
Classification: Benign. Last evaluated: 2019-08-20. Review status: criteria provided, single submitter. Criteria: GeneDx Variant Classification Process June 2021. Collection method: clinical testing. Allele origin: germline. Affected: yes.

Laboratory for Molecular Medicine, Mass General Brigham Personalized Medicine
Classification: Benign. Last evaluated: 2014-11-24. Review status: criteria provided, single submitter. Criteria: LMM Criteria. Collection method: clinical testing. Allele origin: germline. Observed: 4 variant alleles.
Comment: Gly17Gly in exon 1 of TSPEAR: This variant is not expected to have clinical sign ificance because it does not alter an amino acid residue and is not located with in the splice consensus sequence. It has been identified in 2.0% (89/4402) of Af rican American chromosomes from a broad population by the NHLBI Exome Sequencing Project (dbSNP rs75351275).

Breakthrough Genomics
Classification: Benign. Review status: criteria provided, single submitter. Criteria: ACMG Guidelines, 2015. Collection method: not provided. Allele origin: germline. Inheritance: Autosomal recessive inheritance. Affected: yes.

NM_144991.3(TSPEAR):c.51C>T (p.Gly17=)

Gene: TSPEAR (thrombospondin type laminin G domain and EAR repeats; minus strand). Cytogenetic location: 21q22.3.
Variant type: single nucleotide variant.
Coding change: c.51C>T on transcript NM_144991.3 (MANE Select); coding-DNA position 51, C replaced by T.
Protein change: p.Gly17=; no amino-acid change (glycine 17 retained).
Molecular consequence: synonymous variant. On other transcripts: 5 prime UTR variant (1).
Genome position (GRCh38, 1-based): chr21:44,711,464, G>A on the plus strand (C>T on the coding strand, the complement: TSPEAR is on the minus strand). VCF-style: chr21-44711464-G-A. GRCh37 (hg19) VCF-style: chr21-46131379-G-A.
Other names: c.-216C>T (NM_001272037.2).
Identifiers: ClinVar variation 227136 (VCV000227136.16), dbSNP rs75351275, ClinGen allele CA10061750.